The following is an entry in ClinVar:

NM_000304.4(PMP22):c.319+200C>T

Gene: PMP22 (peripheral myelin protein 22; minus strand). Cytogenetic location: 17p12.
Variant type: single nucleotide variant.
Coding change: c.319+200C>T on transcript NM_000304.4 (MANE Select); 200 bases into the intron after coding-DNA position 319, C replaced by T.
Molecular consequence: intron variant.
Genome position (GRCh38, 1-based): chr17:15,239,271, G>A on the plus strand (C>T on the coding strand, the complement: PMP22 is on the minus strand). VCF-style: chr17-15239271-G-A. GRCh37 (hg19) VCF-style: chr17-15142588-G-A.
Other names: c.319+200C>T (NM_001281456.2, NM_153321.3, NM_001281455.2 and 2 more transcripts).
Identifiers: ClinVar variation 677066 (VCV000677066.2), dbSNP rs75162816, ClinGen allele CA15893467.
Genomic context (GRCh38, chr17:15,239,271, plus strand): 5'-CCTTCCTTCCAGATCCTCTAAGTTCTCTTTCATATGCATCTCATTCCAGGGAGAAGGGGA[G>A]AGTTCTAAGTCCCAAGTTCTAAGACACATACAGGTACACACCCACACATACAAGCACCCA-3'

ClinVar aggregate classification (germline): Likely benign. Review status: criteria provided, multiple submitters, no conflicts (2 of 4 stars). 2 submissions from 2 submitters: Likely benign (2). Last evaluated 2018-06-16.

Allele frequency attached by ClinVar (database versions not stated): gnomAD exomes 0.01708; 1000 Genomes Project 0.01018; 1000 Genomes Project 30x 0.01077; gnomAD 0.01415 and 0.01437; TOPMed 0.01540.
gnomAD v4.1: 10,767 of 648,124 alleles (1.7%); highest among the groups gnomAD compares: Middle Eastern, 3.7%; 122 homozygotes.

Submissions (2):

GeneDx
Classification: Likely benign. Last evaluated: 2018-06-16. Review status: criteria provided, single submitter. Criteria: GeneDx Variant Classification (06012015). Collection method: clinical testing. Allele origin: germline. Affected: yes.
Comment: This variant is considered likely benign or benign based on one or more of the following criteria: it is a conservative change, it occurs at a poorly conserved position in the protein, it is predicted to be benign by multiple in silico algorithms, and/or has population frequency not consistent with disease.

Breakthrough Genomics
Classification: Likely benign. Review status: criteria provided, single submitter. Criteria: ACMG Guidelines, 2015. Collection method: not provided. Allele origin: germline. Inheritance: Autosomal recessive inheritance. Affected: yes.